The following is an entry in ClinVar:

ClinVar aggregate classification (germline): Conflicting classifications of pathogenicity. Review status: criteria provided, conflicting classifications (1 of 4 stars). 4 submissions from 4 submitters: Uncertain significance (2); Likely benign (1). 1 of the submissions does not count toward it. Last evaluated 2026-07-10.

Conditions:
Chuvash polycythemia. Also called: POLYCYTHEMIA, VHL-DEPENDENT. Identifiers: Orphanet 238557, MedGen C1837915, MONDO:0009892, OMIM 263400.
Von Hippel-Lindau syndrome (VHLS). Also called: VHL syndrome; Von Hippel-Lindau; von Hippel–Lindau syndrome. Identifiers: Orphanet 892, MedGen C0019562, MONDO:0008667, OMIM 193300. Disease mechanism: loss of function.
Hereditary cancer-predisposing syndrome. Also called: Tumor predisposition; Neoplastic Syndromes, Hereditary; Hereditary Cancer Syndrome; Hereditary neoplastic syndrome. Identifiers: Orphanet 140162, MedGen C0027672, MeSH D009386, MONDO:0015356.

Allele frequency attached by ClinVar (database versions not stated): TOPMed 0.00001.
gnomAD v4.1: 1 of 1,532,776 alleles (0.000065%); highest among the groups gnomAD compares: Non-Finnish European, 0.000088%; no homozygotes.

Submissions (4):

Ambry Genetics
Classification: Likely benign for Hereditary cancer-predisposing syndrome. Last evaluated: 2026-07-10. Review status: criteria provided, single submitter. Criteria: Ambry Variant Classification Scheme 2023. Collection method: clinical testing. Allele origin: germline.

Labcorp Genetics (formerly Invitae), Labcorp
Classification: Uncertain significance for Von Hippel-Lindau syndrome; Chuvash polycythemia. Last evaluated: 2025-02-02. Review status: criteria provided, single submitter. Criteria: Invitae Variant Classification Sherloc (09022015). Collection method: clinical testing. Allele origin: germline.
Comment: This sequence change replaces glutamic acid, which is acidic and polar, with alanine, which is neutral and non-polar, at codon 16 of the VHL protein (p.Glu16Ala). This variant is not present in population databases (gnomAD no frequency). This variant has not been reported in the literature in individuals affected with VHL-related conditions. ClinVar contains an entry for this variant (Variation ID: 220099). Invitae Evidence Modeling of protein sequence and biophysical properties (such as structural, functional, and spatial information, amino acid conservation, physicochemical variation, residue mobility, and thermodynamic stability) indicates that this missense variant is not expected to disrupt VHL protein function with a negative predictive value of 95%. In summary, the available evidence is currently insufficient to determine the role of this variant in disease. Therefore, it has been classified as a Variant of Uncertain Significance.

All of Us Research Program, National Institutes of Health
Classification: Uncertain significance for Von Hippel-Lindau syndrome. Last evaluated: 2023-05-04. Review status: criteria provided, single submitter. Criteria: ACMG Guidelines, 2015. Collection method: clinical testing. Allele origin: germline. Inheritance: Autosomal dominant inheritance. Observed: 1 variant allele, 1 heterozygote.
Comment: This missense variant replaces glutamic acid with alanine at codon 16 of the VHL protein. Computational prediction suggests that this variant may not impact protein structure and function (internally defined REVEL score threshold <= 0.5, PMID: 27666373). To our knowledge, functional studies have not been reported for this variant. This variant has not been reported in individuals affected with VHL-related disorders in the literature. This variant has not been identified in the general population by the Genome Aggregation Database (gnomAD). The available evidence is insufficient to determine the role of this variant in disease conclusively. Therefore, this variant is classified as a Variant of Uncertain Significance.

This study involves interpretation of variants in research participants for the purpose of population health screening. Participant phenotype was not available at the time of variant classification. Additional details can be found in publication PMID: 35346344, PMCID: PMC8962531

Counsyl
Classification: Uncertain significance for Von Hippel-Lindau syndrome. Last evaluated: 2017-04-20. Review status: no assertion criteria provided. Collection method: clinical testing. Allele origin: unknown. Not counted in ClinVar's aggregate classification.

NM_000551.4(VHL):c.47A>C (p.Glu16Ala)

Gene: VHL (von Hippel-Lindau tumor suppressor; plus strand). Cytogenetic location: 3p25.3.
Variant type: single nucleotide variant.
Coding change: c.47A>C on transcript NM_000551.4 (MANE Select); coding-DNA position 47, A replaced by C.
Protein change: p.Glu16Ala; replaces glutamic acid 16 with alanine.
Molecular consequence: missense variant.
Genome position (GRCh38, 1-based): chr3:10,141,894, A>C. VCF-style: chr3-10141894-A-C. GRCh37 (hg19) VCF-style: chr3-10183578-A-C.
Other names: c.47A>C, p.Glu16Ala (NM_001354723.2, NM_198156.3); short protein forms E16A.
Identifiers: ClinVar variation 220099 (VCV000220099.17), dbSNP rs864622379, ClinGen allele CA348482.